The following is an entry in ClinVar:

ClinVar aggregate classification (germline): Likely benign. Review status: criteria provided, multiple submitters, no conflicts (2 of 4 stars). 3 submissions from 3 submitters: Likely benign (3). Last evaluated 2026-06-01.

Conditions:
CHARGE syndrome (CHARGE). Also called: Coloboma, heart anomaly, choanal atresia, retardation, genital and ear anomalies; CHARGE association; Hall-Hittner syndrome; Hittner Hirsch Kreh syndrome; CHARGE ASSOCIATION--COLOBOMA, HEART ANOMALY, CHOANAL ATRESIA, RETARDATION, GENITAL AND EAR ANOMALIES. Identifiers: Orphanet 138, MedGen C0265354, MONDO:0008965.
Hypogonadotropic hypogonadism 5 with or without anosmia (KAL5). Also called: HYPOGONADOTROPIC HYPOGONADISM 5 WITH ANOSMIA; HYPOGONADOTROPHIC HYPOGONADISM 5 WITHOUT ANOSMIA; CHD7-Related GnRH Deficiency (Kallmann Syndrome 5). Identifiers: Orphanet 478, MedGen C3552553, MONDO:0012880, OMIM 612370. Disease mechanism: loss of function.

Allele frequency attached by ClinVar (database versions not stated): TOPMed below 0.00001; gnomAD 0.00001; gnomAD exomes 0.00001; ESP Exome Variant Server 0.00008.
gnomAD v4.1: 23 of 1,613,592 alleles (0.0014%); highest among the groups gnomAD compares: Non-Finnish European, 0.0019%; no homozygotes.

Submissions (3):

CeGaT Center for Human Genetics Tuebingen
Classification: Likely benign. Last evaluated: 2026-06-01. Review status: criteria provided, single submitter. Criteria: CeGaT Center For Human Genetics Tuebingen Variant Classification Criteria Version 2. Collection method: clinical testing. Allele origin: germline. Affected: yes. Observed: 1 variant allele.
Comment: CHD7: BP4, BP7

Labcorp Genetics (formerly Invitae), Labcorp
Classification: Likely benign for CHARGE syndrome. Last evaluated: 2024-11-03. Review status: criteria provided, single submitter. Criteria: Invitae Variant Classification Sherloc (09022015). Collection method: clinical testing. Allele origin: germline.

Fulgent Genetics
Classification: Likely benign for CHD7-related CHARGE syndrome; Hypogonadotropic hypogonadism 5 with or without anosmia. Last evaluated: 2021-12-07. Review status: criteria provided, single submitter. Criteria: ACMG Guidelines, 2015. Collection method: clinical testing. Allele origin: unknown.

NM_017780.4(CHD7):c.3483A>G (p.Thr1161=)

Gene: CHD7 (chromodomain helicase DNA binding protein 7; plus strand). Cytogenetic location: 8q12.2.
Variant type: single nucleotide variant.
Coding change: c.3483A>G on transcript NM_017780.4 (MANE Select); coding-DNA position 3483, A replaced by G.
Protein change: p.Thr1161=; no amino-acid change (threonine 1161 retained).
Molecular consequence: synonymous variant. On other transcripts: intron variant (1).
Genome position (GRCh38, 1-based): chr8:60,828,767, A>G. VCF-style: chr8-60828767-A-G. GRCh37 (hg19) VCF-style: chr8-61741326-A-G.
Other names: c.1717-33462A>G (NM_001316690.1).
Identifiers: ClinVar variation 695641 (VCV000695641.13), dbSNP rs371212381, ClinGen allele CA177339072.
Genomic context (GRCh38, chr8:60,828,767, plus strand): 5'-GGAAGAACTCTTCAGCTTGCTTCATTTCTTGGAACCAAGTCGCTTCCCTTCAGAAACCAC[A>G]TTTATGCAAGAATTTGGTGATCTAAAAACAGAAGAGCAGGTATTTATCAGCTCCACTTTG-3'
Protein context (NP_060250.2, residues 1151-1171): LEPSRFPSET[Thr1161=]FMQEFGDLKT